The following is an entry in ClinVar:

NM_001105206.3(LAMA4):c.2588T>G (p.Leu863Arg)

Gene: LAMA4 (laminin subunit alpha 4; minus strand). Cytogenetic location: 6q21.
Variant type: single nucleotide variant.
Coding change: c.2588T>G on transcript NM_001105206.3 (MANE Select); coding-DNA position 2588, T replaced by G.
Protein change: p.Leu863Arg; replaces leucine 863 with arginine.
Molecular consequence: missense variant.
Genome position (GRCh38, 1-based): chr6:112,142,198, A>C on the plus strand (T>G on the coding strand, the complement: LAMA4 is on the minus strand). VCF-style: chr6-112142198-A-C. GRCh37 (hg19) VCF-style: chr6-112463400-A-C.
Other names: c.2567T>G, p.Leu856Arg (NM_001105207.3, NM_002290.5); short protein forms L856R, L863R.
Identifiers: ClinVar variation 3021901 (VCV003021901.3), dbSNP rs2547028756, ClinGen allele CA365381846.
Genomic context (GRCh38, chr6:112,142,198, plus strand): 5'-AGGATAAACTGATCTGCAGTCTCGGTCAGTTCCGGCCGCTTCACAGGGGGTTTCATGTAC[A>C]GGCTCAGAGACGTGAAGGCCTTTAAGTCATCCATACTGGTTCTCGAGTGCACTTCCACAG-3'
Protein context (NP_001098676.2, residues 853-873): DDLKAFTSLS[Leu863Arg]YMKPPVKRPE

ClinVar aggregate classification (germline): Uncertain significance (1 of 4 stars; one submission).

Conditions:
Dilated cardiomyopathy 1JJ (CMD1JJ). Identifiers: Orphanet 154, MedGen C3808935, MONDO:0014095, OMIM 615235.

Submission:

Labcorp Genetics (formerly Invitae), Labcorp
Classification: Uncertain significance for Dilated cardiomyopathy 1JJ. Last evaluated: 2023-05-03. Review status: criteria provided, single submitter. Criteria: Invitae Variant Classification Sherloc (09022015). Collection method: clinical testing. Allele origin: germline.
Comment: In summary, the available evidence is currently insufficient to determine the role of this variant in disease. Therefore, it has been classified as a Variant of Uncertain Significance. An algorithm developed to predict the effect of missense changes on protein structure and function (PolyPhen-2) suggests that this variant is likely to be disruptive. This variant has not been reported in the literature in individuals affected with LAMA4-related conditions. This variant is not present in population databases (gnomAD no frequency). This sequence change replaces leucine, which is neutral and non-polar, with arginine, which is basic and polar, at codon 856 of the LAMA4 protein (p.Leu856Arg).